The following is an entry in ClinVar:

NM_001854.4(COL11A1):c.3438+2T>G

Gene: COL11A1 (collagen type XI alpha 1 chain; minus strand). Cytogenetic location: 1p21.1.
Variant type: single nucleotide variant.
Coding change: c.3438+2T>G on transcript NM_001854.4 (MANE Select); the canonical splice donor site of the intron after coding-DNA position 3438, T replaced by G.
Molecular consequence: splice donor variant.
Genome position (GRCh38, 1-based): chr1:102,939,033, A>C on the plus strand (T>G on the coding strand, the complement: COL11A1 is on the minus strand). VCF-style: chr1-102939033-A-C. GRCh37 (hg19) VCF-style: chr1-103404589-A-C.
Other names: c.3321+2T>G (NM_001190709.2); c.3474+2T>G (NM_080629.3); c.3090+2T>G (NM_080630.4).
Identifiers: ClinVar variation 1483707 (VCV001483707.8), dbSNP rs2101282041, ClinGen allele CA341169056.

ClinVar aggregate classification (germline): Likely pathogenic (1 of 4 stars; one submission).

Submission:

Labcorp Genetics (formerly Invitae), Labcorp
Classification: Likely pathogenic. Last evaluated: 2021-01-15. Review status: criteria provided, single submitter. Criteria: Invitae Variant Classification Sherloc (09022015). Collection method: clinical testing. Allele origin: germline.
Comment: This sequence change affects a donor splice site in intron 44 of the COL11A1 gene. It is expected to disrupt RNA splicing. Variants that disrupt the donor or acceptor splice site typically lead to a loss of protein function (PMID: 16199547), and loss-of-function variants in COL11A1 are known to be pathogenic (PMID: 21035103, 23922384). This variant is not present in population databases (ExAC no frequency). This variant has not been reported in the literature in individuals with COL11A1-related conditions. Algorithms developed to predict the effect of sequence changes on RNA splicing suggest that this variant may disrupt the consensus splice site, but this prediction has not been confirmed by published transcriptional studies. In summary, the currently available evidence indicates that the variant is pathogenic, but additional data are needed to prove that conclusively. Therefore, this variant has been classified as Likely Pathogenic.

Literature cited by the submitters: PubMed 16199547; PubMed 21035103; PubMed 23922384.